The following is an entry in ClinVar:

ClinVar aggregate classification (germline): Uncertain significance (1 of 4 stars; one submission).

Allele frequency attached by ClinVar (database versions not stated): TOPMed below 0.00001; gnomAD exomes 0.00001.
gnomAD v4.1: 9 of 1,613,092 alleles (0.00056%); highest among the groups gnomAD compares: Non-Finnish European, 0.00076%; no homozygotes.

Submission:

Labcorp Genetics (formerly Invitae), Labcorp
Classification: Uncertain significance. Last evaluated: 2023-07-07. Review status: criteria provided, single submitter. Criteria: Invitae Variant Classification Sherloc (09022015). Collection method: clinical testing. Allele origin: germline.
Comment: In summary, the available evidence is currently insufficient to determine the role of this variant in disease. Therefore, it has been classified as a Variant of Uncertain Significance. An algorithm developed to predict the effect of missense changes on protein structure and function (PolyPhen-2) suggests that this variant is likely to be tolerated. This variant has not been reported in the literature in individuals affected with LTBP2-related conditions. This variant is not present in population databases (gnomAD no frequency). This sequence change replaces leucine, which is neutral and non-polar, with arginine, which is basic and polar, at codon 1561 of the LTBP2 protein (p.Leu1561Arg).

NM_000428.3(LTBP2):c.4682T>G (p.Leu1561Arg)

Gene: LTBP2 (latent transforming growth factor beta binding protein 2; minus strand). Cytogenetic location: 14q24.3.
Variant type: single nucleotide variant.
Coding change: c.4682T>G on transcript NM_000428.3 (MANE Select); coding-DNA position 4682, T replaced by G.
Protein change: p.Leu1561Arg; replaces leucine 1561 with arginine.
Molecular consequence: missense variant.
Genome position (GRCh38, 1-based): chr14:74,503,507, A>C on the plus strand (T>G on the coding strand, the complement: LTBP2 is on the minus strand). VCF-style: chr14-74503507-A-C. GRCh37 (hg19) VCF-style: chr14-74970210-A-C.
Other names: short protein forms L1561R.
Identifiers: ClinVar variation 2965902 (VCV002965902.3), dbSNP rs1486096558, ClinGen allele CA390385048.
Genomic context (GRCh38, chr14:74,503,507, plus strand): 5'-CCCCACGCTCAGGCCCACTCACCCGTGCTGCTGGTGCTGTTCATGCAGCGCTGCTGGCTG[A>C]GGTCCAGGGTGAGCGGGGGGCTGCAGAAGCAGTGGAAGGAGCCCTCCGTGTTGACGCACT-3'
Protein context (NP_000419.1, residues 1551-1571): CFCSPPLTLD[Leu1561Arg]SQQRCMNSTS